The following is an entry in ClinVar:

ClinVar aggregate classification (germline): Uncertain significance (1 of 4 stars; one submission).

Submission:

CeGaT Center for Human Genetics Tuebingen
Classification: Uncertain significance. Last evaluated: 2026-05-01. Review status: criteria provided, single submitter. Criteria: CeGaT Center For Human Genetics Tuebingen Variant Classification Criteria Version 2. Collection method: clinical testing. Allele origin: germline. Affected: yes. Observed: 1 variant allele.
Comment: NOTCH3: PM2

NM_000435.3(NOTCH3):c.5741C>T (p.Ala1914Val)

Gene: NOTCH3 (notch receptor 3; minus strand). Cytogenetic location: 19p13.12.
Variant type: single nucleotide variant.
Coding change: c.5741C>T on transcript NM_000435.3 (MANE Select); coding-DNA position 5741, C replaced by T.
Protein change: p.Ala1914Val; replaces alanine 1914 with valine.
Molecular consequence: missense variant.
Genome position (GRCh38, 1-based): chr19:15,165,442, G>A on the plus strand (C>T on the coding strand, the complement: NOTCH3 is on the minus strand). VCF-style: chr19-15165442-G-A. GRCh37 (hg19) VCF-style: chr19-15276253-G-A.
Other names: short protein forms A1914V.
Identifiers: ClinVar variation 4874967 (VCV004874967.2).